The following is an entry in ClinVar:

NM_177550.5(SLC13A5):c.1015C>A (p.Pro339Thr)

Gene: SLC13A5 (solute carrier family 13 member 5; minus strand). Cytogenetic location: 17p13.1.
Variant type: single nucleotide variant.
Coding change: c.1015C>A on transcript NM_177550.5 (MANE Select); coding-DNA position 1015, C replaced by A.
Protein change: p.Pro339Thr; replaces proline 339 with threonine.
Molecular consequence: missense variant.
Genome position (GRCh38, 1-based): chr17:6,695,766, G>T on the plus strand (C>A on the coding strand, the complement: SLC13A5 is on the minus strand). VCF-style: chr17-6695766-G-T. GRCh37 (hg19) VCF-style: chr17-6599085-G-T.
Other names: c.1015C>A, p.Pro339Thr (NM_001143838.3); c.964C>A, p.Pro322Thr (NM_001284509.2); c.886C>A, p.Pro296Thr (NM_001284510.2); short protein forms P296T, P322T, P339T.
Identifiers: ClinVar variation 2140104 (VCV002140104.1), dbSNP rs1447888403, ClinGen allele CA397743738.

ClinVar aggregate classification (germline): Uncertain significance (1 of 4 stars; one submission).

Conditions:
Developmental and epileptic encephalopathy, 25 (DEE25). Also called: Developmental and epileptic encephalopathy 25, with amelogenesis imperfecta; Epileptic encephalopathy, early infantile, 25, with amelogenesis imperfecta; Epileptic encephalopathy, early infantile, 25. Identifiers: Orphanet 442835, MedGen C4014621, MONDO:0014392, OMIM 615905.

Allele frequency attached by ClinVar (database versions not stated): gnomAD exomes 0.00001.
gnomAD v4.1: 4 of 1,614,176 alleles (0.00025%); highest among the groups gnomAD compares: African/African-American, 0.0013%; no homozygotes.

Submission:

Labcorp Genetics (formerly Invitae), Labcorp
Classification: Uncertain significance for Developmental and epileptic encephalopathy, 25. Last evaluated: 2021-12-29. Review status: criteria provided, single submitter. Criteria: Invitae Variant Classification Sherloc (09022015). Collection method: clinical testing. Allele origin: germline.
Comment: This sequence change replaces proline, which is neutral and non-polar, with threonine, which is neutral and polar, at codon 339 of the SLC13A5 protein (p.Pro339Thr). This variant is present in population databases (no rsID available, gnomAD 0.0009%). This variant has not been reported in the literature in individuals affected with SLC13A5-related conditions. Algorithms developed to predict the effect of missense changes on protein structure and function (SIFT, PolyPhen-2, Align-GVGD) all suggest that this variant is likely to be tolerated. In summary, the available evidence is currently insufficient to determine the role of this variant in disease. Therefore, it has been classified as a Variant of Uncertain Significance.